The following is an entry in ClinVar:

NM_000057.4(BLM):c.1330T>A (p.Cys444Ser)

Gene: BLM (BLM RecQ like helicase; plus strand). Cytogenetic location: 15q26.1.
Variant type: single nucleotide variant.
Coding change: c.1330T>A on transcript NM_000057.4 (MANE Select); coding-DNA position 1330, T replaced by A.
Protein change: p.Cys444Ser; replaces cysteine 444 with serine.
Molecular consequence: missense variant.
Genome position (GRCh38, 1-based): chr15:90,760,703, T>A. VCF-style: chr15-90760703-T-A. GRCh37 (hg19) VCF-style: chr15-91303933-T-A.
Other names: c.1330T>A, p.Cys444Ser (NM_001287246.2, NM_001287247.2); c.205T>A, p.Cys69Ser (NM_001287248.2); short protein forms C444S, C69S.
Identifiers: ClinVar variation 4867470 (VCV004867470.1).

ClinVar aggregate classification (germline): Uncertain significance (1 of 4 stars; one submission).

Conditions:
Hereditary cancer-predisposing syndrome. Also called: Neoplastic Syndromes, Hereditary; Tumor predisposition; Hereditary Cancer Syndrome; Hereditary neoplastic syndrome. Identifiers: Orphanet 140162, MedGen C0027672, MeSH D009386, MONDO:0015356.

gnomAD v4.1: 1 of 1,614,138 alleles (0.000062%); highest among the groups gnomAD compares: East Asian, 0.0022%; no homozygotes.

Submission:

Ambry Genetics
Classification: Uncertain significance for Hereditary cancer-predisposing syndrome. Last evaluated: 2026-03-17. Review status: criteria provided, single submitter. Criteria: Ambry Variant Classification Scheme 2023. Collection method: clinical testing. Allele origin: germline.
Comment: The p.C444S variant (also known as c.1330T>A), located in coding exon 6 of the BLM gene, results from a T to A substitution at nucleotide position 1330. The cysteine at codon 444 is replaced by serine, an amino acid with dissimilar properties. This amino acid position is conserved. In addition, this alteration is predicted to be tolerated by in silico analysis. Based on the available evidence, the clinical significance of this variant remains unclear.